The following is an entry in ClinVar:

NM_000179.3(MSH6):c.3137A>G (p.Asp1046Gly)

Gene: MSH6 (mutS homolog 6; plus strand). Cytogenetic location: 2p16.3.
Variant type: single nucleotide variant.
Coding change: c.3137A>G on transcript NM_000179.3 (MANE Select); coding-DNA position 3137, A replaced by G.
Protein change: p.Asp1046Gly; replaces aspartic acid 1046 with glycine.
Molecular consequence: missense variant.
Genome position (GRCh38, 1-based): chr2:47,801,120, A>G. VCF-style: chr2-47801120-A-G. GRCh37 (hg19) VCF-style: chr2-48028259-A-G.
Other names: p.D1046G:GAC>GGC; c.2747A>G, p.Asp916Gly (NM_001281492.2); c.2231A>G, p.Asp744Gly (NM_001281493.2, NM_001281494.2); short protein forms D1046G, D744G, D916G.
Identifiers: ClinVar variation 127579 (VCV000127579.19), dbSNP rs587779931, ClinGen allele CA011619.

ClinVar aggregate classification (germline): Uncertain significance. Review status: criteria provided, multiple submitters, no conflicts (2 of 4 stars). 4 submissions from 4 submitters: Uncertain significance (4). Last evaluated 2025-12-10.

Conditions:
Hereditary nonpolyposis colorectal neoplasms. Identifiers: MedGen C0009405, MeSH D003123.
Hereditary cancer-predisposing syndrome. Also called: Hereditary Cancer Syndrome; Hereditary neoplastic syndrome; Tumor predisposition; Neoplastic Syndromes, Hereditary. Identifiers: Orphanet 140162, MedGen C0027672, MeSH D009386, MONDO:0015356.

Allele frequency attached by ClinVar (database versions not stated): gnomAD exomes below 0.00001.
gnomAD v4.1: 1 of 1,612,486 alleles (0.000062%); highest among the groups gnomAD compares: Non-Finnish European, 0.000085%; no homozygotes.

Submissions (4):

Labcorp Genetics (formerly Invitae), Labcorp
Classification: Uncertain significance for Hereditary nonpolyposis colorectal neoplasms. Last evaluated: 2025-12-10. Review status: criteria provided, single submitter. Criteria: Invitae Variant Classification Sherloc (09022015). Collection method: clinical testing. Allele origin: germline.
Comment: This sequence change replaces aspartic acid, which is acidic and polar, with glycine, which is neutral and non-polar, at codon 1046 of the MSH6 protein (p.Asp1046Gly). This variant is not present in population databases (gnomAD no frequency). This variant has not been reported in the literature in individuals affected with MSH6-related conditions. ClinVar contains an entry for this variant (Variation ID: 127579). Invitae Evidence Modeling of protein sequence and biophysical properties (such as structural, functional, and spatial information, amino acid conservation, physicochemical variation, residue mobility, and thermodynamic stability) indicates that this missense variant is not expected to disrupt MSH6 protein function with a negative predictive value of 95%. In summary, the available evidence is currently insufficient to determine the role of this variant in disease. Therefore, it has been classified as a Variant of Uncertain Significance.

GeneDx
Classification: Uncertain significance. Last evaluated: 2024-02-21. Review status: criteria provided, single submitter. Criteria: GeneDx Variant Classification Process June 2021. Collection method: clinical testing. Allele origin: germline. Affected: yes.
Comment: Not observed at significant frequency in large population cohorts (gnomAD); In silico analysis supports that this missense variant has a deleterious effect on protein structure/function; Has not been previously published as pathogenic or benign to our knowledge; This variant is associated with the following publications: (PMID: 17531815, 21120944)

Color Diagnostics, LLC DBA Color Health
Classification: Uncertain significance for Hereditary cancer-predisposing syndrome. Last evaluated: 2023-12-05. Review status: criteria provided, single submitter. Criteria: ACMG Guidelines, 2015. Collection method: clinical testing. Allele origin: germline.
Comment: This missense variant replaces aspartic acid with glycine at codon 1046 of the MSH6 protein. Computational prediction is inconclusive regarding the impact of this variant on protein structure and function (internally defined REVEL score threshold 0.5 < inconclusive < 0.7, PMID: 27666373). To our knowledge, functional studies have not been reported for this variant. This variant has not been reported in individuals affected with MSH6-related disorders in the literature. This variant has not been identified in the general population by the Genome Aggregation Database (gnomAD). The available evidence is insufficient to determine the role of this variant in disease conclusively. Therefore, this variant is classified as a Variant of Uncertain Significance.

Ambry Genetics
Classification: Uncertain significance for Hereditary cancer-predisposing syndrome. Last evaluated: 2023-06-23. Review status: criteria provided, single submitter. Criteria: Ambry Variant Classification Scheme 2023. Collection method: clinical testing. Allele origin: germline.
Comment: The p.D1046G variant (also known as c.3137A>G), located in coding exon 4 of the MSH6 gene, results from an A to G substitution at nucleotide position 3137. The aspartic acid at codon 1046 is replaced by glycine, an amino acid with similar properties. This amino acid position is well conserved in available vertebrate species. In addition, this alteration is predicted to be deleterious by in silico analysis. Since supporting evidence is limited at this time, the clinical significance of this alteration remains unclear.